The following is an entry in ClinVar:

ClinVar aggregate classification (germline): Likely pathogenic (1 of 4 stars; one submission).

Conditions:
Autosomal recessive limb-girdle muscular dystrophy type 2J (LGMDR10). Also called: Limb-girdle muscular dystrophy, type 2J; MUSCULAR DYSTROPHY, LIMB-GIRDLE, AUTOSOMAL RECESSIVE 10. Identifiers: Orphanet 140922, MedGen C1837342, MONDO:0012127, OMIM 608807.
Dilated cardiomyopathy 1G (CMD1G). Identifiers: Orphanet 154, MedGen C1858763, MONDO:0011400, OMIM 604145.

Submission:

Labcorp Genetics (formerly Invitae), Labcorp
Classification: Likely pathogenic for Dilated cardiomyopathy 1G; Autosomal recessive limb-girdle muscular dystrophy type 2J. Last evaluated: 2024-01-25. Review status: criteria provided, single submitter. Criteria: Invitae Variant Classification Sherloc (09022015). Collection method: clinical testing. Allele origin: germline.
Comment: This sequence change creates a premature translational stop signal (p.Ser4296*) in the TTN gene. While this is not anticipated to result in nonsense mediated decay, it is expected to create a truncated TTN protein. This variant is not present in population databases (gnomAD no frequency). This variant has not been reported in the literature in individuals affected with TTN-related conditions. This variant is located in the I band of TTN (PMID: 25589632). Truncating variants in this region have been reported in individuals affected with autosomal recessive centronuclear myopathy (PMID: 23975875, Invitae internal data). Truncating variants in this region have also been identified in individuals affected with autosomal dominant dilated cardiomyopathy and/or cardio-related conditions (PMID: 27869827, 32964742, Invitae internal data). In summary, the currently available evidence indicates that the variant is pathogenic, but additional data are needed to prove that conclusively. Therefore, this variant has been classified as Likely Pathogenic.

Literature cited by the submitters: PubMed 25589632; PubMed 23975875; PubMed 27869827; PubMed 32964742.

NM_001267550.2(TTN):c.12887C>A (p.Ser4296Ter)

Gene: TTN (titin; minus strand). Cytogenetic location: 2q31.2.
Variant type: single nucleotide variant.
Coding change: c.12887C>A on transcript NM_001267550.2 (MANE Select); coding-DNA position 12887, C replaced by A.
Protein change: p.Ser4296Ter; replaces serine 4296 with a stop codon.
Molecular consequence: nonsense. On other transcripts: intron variant (1).
Genome position (GRCh38, 1-based): chr2:178,740,346, G>T on the plus strand (C>A on the coding strand, the complement: TTN is on the minus strand). VCF-style: chr2-178740346-G-T. GRCh37 (hg19) VCF-style: chr2-179605073-G-T.
Other names: c.11936C>A, p.Ser3979Ter (NM_001256850.1); c.11798C>A, p.Ser3933Ter (NM_003319.4); c.12173C>A, p.Ser4058Ter (NM_133432.3); c.12374C>A, p.Ser4125Ter (NM_133437.4); c.10361-1986C>A (NM_133378.4); short protein forms S3933*, S3979*, S4296*, S4058*, S4125*.
Identifiers: ClinVar variation 2953789 (VCV002953789.3), dbSNP rs727503657, ClinGen allele CA349610001.